The following is an entry in ClinVar:

ClinVar aggregate classification (germline): Pathogenic (1 of 4 stars; one submission).

Conditions:
ALG6-congenital disorder of glycosylation 1C (CDG1C). Also called: Congenital disorder of glycosylation, type Ic; CDG Ic; CARBOHYDRATE-DEFICIENT GLYCOPROTEIN SYNDROME, TYPE I, WITH DEFICIENT GLYCOSYLATION OF DOLICHOL-LINKED OLIGOSACCHARIDE; CARBOHYDRATE-DEFICIENT GLYCOPROTEIN SYNDROME, TYPE V; Congenital disorder of glycosylation type 1C. Identifiers: Orphanet 79320, MedGen C2930997, MONDO:0011291, OMIM 603147.

Submission:

Labcorp Genetics (formerly Invitae), Labcorp
Classification: Pathogenic for ALG6-congenital disorder of glycosylation 1C. Last evaluated: 2020-12-31. Review status: criteria provided, single submitter. Criteria: Invitae Variant Classification Sherloc (09022015). Collection method: clinical testing. Allele origin: germline.
Comment: This variant is not present in population databases (ExAC no frequency). For these reasons, this variant has been classified as Pathogenic. This variant has not been reported in the literature in individuals with ALG6-related conditions. This sequence change creates a premature translational stop signal (p.Tyr85Cysfs*19) in the ALG6 gene. It is expected to result in an absent or disrupted protein product. Loss-of-function variants in ALG6 are known to be pathogenic (PMID: 19862844).

Literature cited by the submitters: PubMed 19862844.

NM_013339.4(ALG6):c.254_255del (p.Tyr85fs)

Gene: ALG6 (ALG6 alpha-1,3-glucosyltransferase; plus strand). Cytogenetic location: 1p31.3.
Variant type: Microsatellite.
Coding change: c.254_255del on transcript NM_013339.4 (MANE Select); coding-DNA positions 254 to 255, 2 bases deleted (AT; older notation c.254_255delAT).
Protein change: p.Tyr85fs; shifts the reading frame from tyrosine 85.
Molecular consequence: frameshift variant.
Genome position (GRCh38, 1-based): chr1:63,402,340-63,402,341, AT deleted; deleting any 2 consecutive bases within chr1:63,402,338-63,402,341 gives the same sequence; the c. name uses the placement nearest the transcript's 3' end. VCF-style (leftmost placement, unchanged base first): chr1-63402337-CAT-C. GRCh37 (hg19) VCF-style: chr1-63868008-CAT-C.
Other names: short protein forms Y85fs.
Identifiers: ClinVar variation 1456612 (VCV001456612.6), dbSNP rs2100412885, ClinGen allele CA2580611456.